The following is an entry in ClinVar:

GRCh37/hg19 4q21.3(chr4:87165664-87259133)x1

Gene: MAPK10 (mitogen-activated protein kinase 10; minus strand). Cytogenetic location: 4q21.3.
Variant type: copy number loss.
Change: copy number 1 (one copy instead of two) of chr4:87,165,664-87,259,133 (93.5 kb, GRCh37 coordinates, 1-based), cytogenetic band 4q21.3.
Identifiers: ClinVar variation 393583 (VCV000393583.4).

ClinVar aggregate classification (germline): Likely benign (0 of 4 stars; one submission).

Submission:

Institute of Human Genetics, University of Goettingen
Classification: Likely benign. Last evaluated: 2016-11-29. Review status: no assertion criteria provided. Collection method: clinical testing. Allele origin: maternal. Affected: yes. Observed: 2 variant alleles.